The following is an entry in ClinVar:

ClinVar aggregate classification (germline): Uncertain significance (1 of 4 stars; one submission).

Conditions:
Epidermolysis bullosa simplex with nail dystrophy (EBS5D). Identifiers: MedGen C4225309, MONDO:0014661, OMIM 616487.
Epidermolysis bullosa simplex 5B, with muscular dystrophy (EBS5B). Also called: EPIDERMOLYSIS BULLOSA SIMPLEX AND LIMB-GIRDLE MUSCULAR DYSTROPHY; Epidermolysis bullosa simplex with muscular dystrophy. Identifiers: Orphanet 257, MedGen C2931072, MONDO:0009181, OMIM 226670.
Epidermolysis bullosa simplex 5C, with pyloric atresia (EBS5C). Also called: PLEC-Related Epidermolysis Bullosa with Pyloric Atresia; Epidermolysis bullosa simplex with pyloric atresia; PLEC1-Related Epidermolysis Bullosa with Pyloric Atresia. Identifiers: Orphanet 158684, MedGen C2677349, MONDO:0012807, OMIM 612138.
Autosomal recessive limb-girdle muscular dystrophy type 2Q (LGMDR17). Also called: MUSCULAR DYSTROPHY, LIMB-GIRDLE, AUTOSOMAL RECESSIVE 17. Identifiers: Orphanet 254361, MedGen C3150989, MONDO:0013390, OMIM 613723.
Epidermolysis bullosa simplex, Ogna type (EBS5A). Also called: Pidermolysis bullosa simplex 5A, Ogna type; EPIDERMOLYSIS BULLOSA SIMPLEX 5A, OGNA TYPE. Identifiers: Orphanet 79401, MedGen C0432317, MONDO:0007555, OMIM 131950.

Allele frequency attached by ClinVar (database versions not stated): gnomAD 0.00001; TOPMed 0.00001; ExAC 0.00002.
gnomAD v4.1: 56 of 1,612,736 alleles (0.0035%); highest among the groups gnomAD compares: Middle Eastern, 0.033%; no homozygotes.

Submission:

Labcorp Genetics (formerly Invitae), Labcorp
Classification: Uncertain significance for Autosomal recessive limb-girdle muscular dystrophy type 2Q; Epidermolysis bullosa simplex, Ogna type; Epidermolysis bullosa simplex with nail dystrophy; Epidermolysis bullosa simplex 5C, with pyloric atresia; Epidermolysis bullosa simplex 5B, with muscular dystrophy. Last evaluated: 2025-11-10. Review status: criteria provided, single submitter. Criteria: Invitae Variant Classification Sherloc (09022015). Collection method: clinical testing. Allele origin: germline.
Comment: This sequence change replaces proline, which is neutral and non-polar, with leucine, which is neutral and non-polar, at codon 492 of the PLEC protein (p.Pro492Leu). This variant is present in population databases (rs781867790, gnomAD 0.003%). This variant has not been reported in the literature in individuals affected with PLEC-related conditions. ClinVar contains an entry for this variant (Variation ID: 2926456). Experimental studies and prediction algorithms are not available or were not evaluated, and the functional significance of this variant is currently unknown. In summary, the available evidence is currently insufficient to determine the role of this variant in disease. Therefore, it has been classified as a Variant of Uncertain Significance.

NM_201384.3(PLEC):c.1394C>T (p.Pro465Leu)

Gene: PLEC (plectin; minus strand). Cytogenetic location: 8q24.3.
Variant type: single nucleotide variant.
Coding change: c.1394C>T on transcript NM_201384.3 (MANE Select); coding-DNA position 1394, C replaced by T.
Protein change: p.Pro465Leu; replaces proline 465 with leucine.
Molecular consequence: missense variant.
Genome position (GRCh38, 1-based): chr8:143,933,221, G>A on the plus strand (C>T on the coding strand, the complement: PLEC is on the minus strand). VCF-style: chr8-143933221-G-A. GRCh37 (hg19) VCF-style: chr8-145007389-G-A.
Other names: c.1475C>T, p.Pro492Leu (NM_000445.5, NM_001410941.1); c.1352C>T, p.Pro451Leu (NM_201378.4); c.1328C>T, p.Pro443Leu (NM_201379.3); c.1805C>T, p.Pro602Leu (NM_201380.4); c.1298C>T, p.Pro433Leu (NM_201381.3); c.1394C>T, p.Pro465Leu (NM_201382.4); c.1406C>T, p.Pro469Leu (NM_201383.3); short protein forms P433L, P451L, P443L, P465L, P602L, P469L, P492L.
Identifiers: ClinVar variation 2926456 (VCV002926456.3), dbSNP rs781867790, ClinGen allele CA4927994.
Genomic context (GRCh38, chr8:143,933,221, plus strand): 5'-GTACCTGGGCTTCAGGGAGGGCAGGGCGGGGCCCACCTGCGGTACATCTGCTCGCCCTGC[G>A]GGTGCCGTCCATCCTTGAGGGTCTGCACGTCGTTGAAGAGCAGCCGGATCATGCTATCCG-3'
Protein context (NP_958786.1, residues 455-475): DVQTLKDGRH[Pro465Leu]QGEQMYRRVY